The following is an entry in ClinVar:

ClinVar aggregate classification (germline): Pathogenic/Likely pathogenic. Review status: criteria provided, multiple submitters, no conflicts (2 of 4 stars). 2 submissions from 2 submitters: Pathogenic (1); Likely pathogenic (1). Last evaluated 2019-11-25.

Conditions:
Marfan syndrome (MFS). Also called: FBN1-Related Marfan Syndrome; MARFAN SYNDROME, TYPE I; Marfan syndrome type 1; Marfan's syndrome; Marfan syndrome, classic. Identifiers: Orphanet 284963, Orphanet 558, MedGen C0024796, MONDO:0007947, OMIM 154700.
Familial thoracic aortic aneurysm and aortic dissection (TAAD). Also called: Thoracic aortic aneurysms and dissections. Identifiers: Orphanet 91387, MedGen C4707243, MONDO:0019625.

Submissions (2):

ARUP Laboratories, Molecular Genetics and Genomics, ARUP Laboratories
Classification: Likely pathogenic. Last evaluated: 2019-11-25. Review status: criteria provided, single submitter. Criteria: ARUP Molecular Germline Variant Investigation Process. Collection method: clinical testing. Allele origin: germline.
Comment: The FBN1 c.200G>T; p.Cys67Phe variant, to our knowledge, is not reported in the medical literature or gene specific databases. However, other variants at this codon and the adjacent cysteine codon (p.Cys67Arg, p.Cys67Ser, p.Cys67Tyr, p.Cys68Phe, p.Cys68Ser, p.Cys68Trp) have been reported in association with Marfan syndrome (Hung 2009, Groth 2017). This variant is also absent from general population databases (Exome Variant Server, Genome Aggregation Database), indicating it is not a common polymorphism. This variant occurs in a cysteine residue that is part of a known 4-cysteine motif and the p.Cys67Phe variant is predicted to disrupt disulfide bridge formation (Yadin 2013, Groth 2017). Based on available information, this variant is considered to be, likely pathogenic.

Labcorp Genetics (formerly Invitae), Labcorp
Classification: Pathogenic for Marfan syndrome; Familial thoracic aortic aneurysm and aortic dissection. Last evaluated: 2019-08-12. Review status: criteria provided, single submitter. Criteria: Invitae Variant Classification Sherloc (09022015). Collection method: clinical testing. Allele origin: germline.
Comment: This variant affects a cysteine residue in the EGF-like, TGFBP or hybrid motif domains of FBN1. Cysteine residues are believed to be involved in intramolecular disulfide bridges and have been shown to be important for FBN1 protein structure (PMID: 16905551, 19349279). In addition, missense substitutions affecting cysteine residues within these domains are significantly overrepresented among patients with Marfan syndrome (PMID: 16571647, 17701892). For these reasons, this variant has been classified as Pathogenic. This variant disrupts the p.Cys67 amino acid residue in FBN1. Other variant(s) that disrupt this residue have been observed in individuals with FBN1-related conditions (PMID: 19839986, 27906200), which suggests that this may be a clinically significant amino acid residue. Algorithms developed to predict the effect of missense changes on protein structure and function are either unavailable or do not agree on the potential impact of this missense change (SIFT: "Deleterious"; PolyPhen-2: "Probably Damaging"; Align-GVGD: "Class C0"). This variant has not been reported in the literature in individuals with FBN1-related conditions. This variant is not present in population databases (ExAC no frequency). This sequence change replaces cysteine with phenylalanine at codon 67 of the FBN1 protein (p.Cys67Phe). The cysteine residue is highly conserved and there is a large physicochemical difference between cysteine and phenylalanine.

Literature cited by the submitters: PubMed 16905551 (cited by Labcorp Genetics (formerly Invitae), Labcorp); PubMed 19349279 (cited by Labcorp Genetics (formerly Invitae), Labcorp); PubMed 16571647 (cited by Labcorp Genetics (formerly Invitae), Labcorp); PubMed 17701892 (cited by Labcorp Genetics (formerly Invitae), Labcorp); PubMed 19839986 (cited by Labcorp Genetics (formerly Invitae), Labcorp); PubMed 27906200 (cited by Labcorp Genetics (formerly Invitae), Labcorp).

NM_000138.5(FBN1):c.200G>T (p.Cys67Phe)

Gene: FBN1 (fibrillin 1; minus strand). Cytogenetic location: 15q21.1.
Variant type: single nucleotide variant.
Coding change: c.200G>T on transcript NM_000138.5 (MANE Select); coding-DNA position 200, G replaced by T.
Protein change: p.Cys67Phe; replaces cysteine 67 with phenylalanine.
Molecular consequence: missense variant.
Genome position (GRCh38, 1-based): chr15:48,613,057, C>A on the plus strand (G>T on the coding strand, the complement: FBN1 is on the minus strand). VCF-style: chr15-48613057-C-A. GRCh37 (hg19) VCF-style: chr15-48905254-C-A.
Other names: short protein forms C67F.
Identifiers: ClinVar variation 953109 (VCV000953109.18), dbSNP rs2044669166, ClinGen allele CA392448442.